The following is an entry in ClinVar:

ClinVar aggregate classification (germline): Likely pathogenic (1 of 4 stars; one submission).

Submission:

GeneDx
Classification: Likely pathogenic. Last evaluated: 2020-09-22. Review status: criteria provided, single submitter. Criteria: GeneDx Variant Classification Process June 2021. Collection method: clinical testing. Allele origin: germline. Affected: yes.
Comment: Not observed in large population cohorts (Lek et al., 2016); In silico analysis supports that this missense variant has a deleterious effect on protein structure/function; Has not been previously published as pathogenic or benign to our knowledge

NM_018263.6(ASXL2):c.4228T>G (p.Cys1410Gly)

Gene: ASXL2 (ASXL transcriptional regulator 2; minus strand). Cytogenetic location: 2p23.3.
Variant type: single nucleotide variant.
Coding change: c.4228T>G on transcript NM_018263.6 (MANE Select); coding-DNA position 4228, T replaced by G.
Protein change: p.Cys1410Gly; replaces cysteine 1410 with glycine.
Molecular consequence: missense variant.
Genome position (GRCh38, 1-based): chr2:25,742,109, A>C on the plus strand (T>G on the coding strand, the complement: ASXL2 is on the minus strand). VCF-style: chr2-25742109-A-C. GRCh37 (hg19) VCF-style: chr2-25964978-A-C.
Other names: c.4054T>G, p.Cys1352Gly (NM_001369346.1); c.3448T>G, p.Cys1150Gly (NM_001369347.1); short protein forms C1410G, C1150G, C1352G.
Identifiers: ClinVar variation 449235 (VCV000449235.3), dbSNP rs1553690979, ClinGen allele CA346073615.
Genomic context (GRCh38, chr2:25,742,109, plus strand): 5'-AGACGCACAGTTTGGAGGGGCCGATGCAATCATCATGGCAGAAAGCGCCACAGCCTTTGC[A>C]CATGATCATGGCTTTCAAGCGGCAGTAACATTTCGAAGGCGTGCCCTCTATGCTGTTCTC-3'
Protein context (NP_060733.4, residues 1400-1420): CYCRLKAMIM[Cys1410Gly]KGCGAFCHDD